The following is an entry in ClinVar:

NM_000179.3(MSH6):c.3438+9T>C

Gene: MSH6 (mutS homolog 6; plus strand). Cytogenetic location: 2p16.3.
Variant type: single nucleotide variant.
Coding change: c.3438+9T>C on transcript NM_000179.3 (MANE Select); 9 bases into the intron after coding-DNA position 3438, T replaced by C.
Molecular consequence: intron variant.
Genome position (GRCh38, 1-based): chr2:47,803,694, T>C. VCF-style: chr2-47803694-T-C. GRCh37 (hg19) VCF-style: chr2-48030833-T-C.
Other names: c.3438+9T>C (NM_001406809.1, NM_001406796.1, NM_001406808.1 and 1 more transcripts); c.2532+9T>C (NM_001406811.1, NM_001406814.1, NM_001281493.2 and 6 more transcripts); c.3141+9T>C (NM_001406805.1, NM_001406797.1, NM_001406801.1 and 10 more transcripts); c.3534+9T>C (NM_001406795.1, NM_001406802.1); c.3444+9T>C (NM_001406813.1); c.2913+9T>C (NM_001406807.1, NM_001406799.1, NM_001406806.1); c.3264+9T>C (NM_001406798.1); c.2574+9T>C (NM_001406803.1); and 7 more.
Identifiers: ClinVar variation 3903763 (VCV003903763.1).

ClinVar aggregate classification (germline): Likely benign (1 of 4 stars; one submission).

Conditions:
Lynch syndrome 5 (LYNCH5). Also called: Colorectal cancer, hereditary nonpolyposis, type 5; Hereditary non-polyposis colorectal cancer, type 5. Identifiers: Orphanet 144, MedGen C1833477, MONDO:0013710, OMIM 614350. Disease mechanism: loss of function.

Submission:

Myriad Genetics, Inc.
Classification: Likely benign for Lynch syndrome 5. Last evaluated: 2025-01-06. Review status: criteria provided, single submitter. Criteria: Myriad Autosomal Dominant, Autosomal Recessive and X-Linked Classification Criteria (2023). Collection method: clinical testing. Allele origin: unknown.
Comment: This variant is considered likely benign. This variant is intronic and is not expected to impact mRNA splicing.